The following is an entry in ClinVar:

ClinVar aggregate classification (germline): Pathogenic (1 of 4 stars; one submission).

Conditions:
Duchenne muscular dystrophy (DMD). Also called: MUSCULAR DYSTROPHY, PSEUDOHYPERTROPHIC PROGRESSIVE, DUCHENNE TYPE; Duchenne Muscular Dystrophy (DMD). Identifiers: Orphanet 98896, MedGen C0013264, MONDO:0010679, OMIM 310200.

Submission:

Labcorp Genetics (formerly Invitae), Labcorp
Classification: Pathogenic for Duchenne muscular dystrophy. Last evaluated: 2021-01-12. Review status: criteria provided, single submitter. Criteria: Invitae Variant Classification Sherloc (09022015). Collection method: clinical testing. Allele origin: germline.
Comment: For these reasons, this variant has been classified as Pathogenic. This variant has not been reported in the literature in individuals with DMD-related conditions. This variant is a gross deletion of the genomic region encompassing exon(s) 28-43 of the DMD gene. This deletion is out-of-frame, and is expected to create a premature translational stop signal and result in an absent or disrupted protein product. Loss-of-function variants in DMD are known to be pathogenic (PMID: 16770791, 25007885).

Literature cited by the submitters: PubMed 16770791; PubMed 25007885.

NC_000023.10:g.(?_32305636)_(32460274_?)del

Gene: DMD (dystrophin; minus strand). Cytogenetic location: Xp21.1.
Variant type: Deletion.
Identifiers: ClinVar variation 1393796 (VCV001393796.7).